The following is an entry in ClinVar:

ClinVar aggregate classification (germline): Uncertain significance (1 of 4 stars; one submission).

Conditions:
Acromesomelic dysplasia 1, Maroteaux type (AMD1). Also called: ST. HELENA DYSPLASIA; ACROMESOMELIC DYSPLASIA 1. Identifiers: Orphanet 40, MedGen C1864356, MONDO:0011275, OMIM 602875.
Tall stature-scoliosis-macrodactyly of the great toes syndrome. Also called: Epiphyseal chondrodysplasia, miura type. Identifiers: Orphanet 329191, MedGen C4014690, MONDO:0014401, OMIM 615923.

gnomAD v4.1: 10 of 1,613,390 alleles (0.00062%); highest among the groups gnomAD compares: East Asian, 0.02%; no homozygotes.

Submission:

Labcorp Genetics (formerly Invitae), Labcorp
Classification: Uncertain significance for Tall stature-scoliosis-macrodactyly of the great toes syndrome; Acromesomelic dysplasia 1, Maroteaux type. Last evaluated: 2024-02-23. Review status: criteria provided, single submitter. Criteria: Invitae Variant Classification Sherloc (09022015). Collection method: clinical testing. Allele origin: germline.
Comment: This sequence change replaces serine, which is neutral and polar, with glycine, which is neutral and non-polar, at codon 197 of the NPR2 protein (p.Ser197Gly). This variant is present in population databases (rs764993090, gnomAD 0.02%). This variant has not been reported in the literature in individuals affected with NPR2-related conditions. Advanced modeling of protein sequence and biophysical properties (such as structural, functional, and spatial information, amino acid conservation, physicochemical variation, residue mobility, and thermodynamic stability) performed at Invitae indicates that this missense variant is not expected to disrupt NPR2 protein function with a negative predictive value of 80%. In summary, the available evidence is currently insufficient to determine the role of this variant in disease. Therefore, it has been classified as a Variant of Uncertain Significance.

NM_003995.4(NPR2):c.589A>G (p.Ser197Gly)

Gene: NPR2 (natriuretic peptide receptor 2; plus strand). Cytogenetic location: 9p13.3.
Variant type: single nucleotide variant.
Coding change: c.589A>G on transcript NM_003995.4 (MANE Select); coding-DNA position 589, A replaced by G.
Protein change: p.Ser197Gly; replaces serine 197 with glycine.
Molecular consequence: missense variant.
Genome position (GRCh38, 1-based): chr9:35,792,997, A>G. VCF-style: chr9-35792997-A-G. GRCh37 (hg19) VCF-style: chr9-35792994-A-G.
Other names: c.589A>G, p.Ser197Gly (NM_001378923.1); short protein forms S197G.
Identifiers: ClinVar variation 3761067 (VCV003761067.2).